The following is an entry in ClinVar:

ClinVar aggregate classification (germline): Conflicting classifications of pathogenicity. Review status: criteria provided, conflicting classifications (1 of 4 stars). 2 submissions from 2 submitters: Pathogenic (1); Uncertain significance (1). Last evaluated 2025-11-21.

Conditions:
Dilated cardiomyopathy 1DD (CMD1DD). Identifiers: Orphanet 154, MedGen C2750995, MONDO:0013168, OMIM 613172.
Cardiovascular phenotype. Identifiers: MedGen CN230736.

Submissions (2):

Labcorp Genetics (formerly Invitae), Labcorp
Classification: Pathogenic for Dilated cardiomyopathy 1DD. Last evaluated: 2025-11-21. Review status: criteria provided, single submitter. Criteria: Invitae Variant Classification Sherloc (09022015). Collection method: clinical testing. Allele origin: germline.
Comment: This sequence change creates a premature translational stop signal (p.Gln288*) in the RBM20 gene. It is expected to result in an absent or disrupted protein product. Loss-of-function variants in RBM20 are known to be pathogenic (PMID: 20590677, 22004663, 38288598, 38510713, 40339755). This variant is not present in population databases (gnomAD no frequency). This variant has not been reported in the literature in individuals affected with RBM20-related conditions. ClinVar contains an entry for this variant (Variation ID: 4151602). For these reasons, this variant has been classified as Pathogenic.

Ambry Genetics
Classification: Uncertain significance for Cardiovascular phenotype. Last evaluated: 2025-09-12. Review status: criteria provided, single submitter. Criteria: Ambry Variant Classification Scheme 2023. Collection method: clinical testing. Allele origin: germline.
Comment: The p.Q288* variant (also known as c.862C>T), located in coding exon 2 of the RBM20 gene, results from a C to T substitution at nucleotide position 862. This changes the amino acid from a glutamine to a stop codon within coding exon 2. This alteration is expected to result in protein truncation or nonsense-mediated mRNA decay. However, loss of function has not been established as a mechanism of disease. Based on the available evidence, the clinical significance of this alteration remains unclear.

Literature cited by the submitters: PubMed 20590677 (cited by Labcorp Genetics (formerly Invitae), Labcorp); PubMed 22004663 (cited by Labcorp Genetics (formerly Invitae), Labcorp); PubMed 38288598 (cited by Labcorp Genetics (formerly Invitae), Labcorp); PubMed 38510713 (cited by Labcorp Genetics (formerly Invitae), Labcorp); PubMed 40339755 (cited by Labcorp Genetics (formerly Invitae), Labcorp).

NM_001134363.3(RBM20):c.862C>T (p.Gln288Ter)

Gene: RBM20 (RNA binding motif protein 20; plus strand). Cytogenetic location: 10q25.2.
Variant type: single nucleotide variant.
Coding change: c.862C>T on transcript NM_001134363.3 (MANE Select); coding-DNA position 862, C replaced by T.
Protein change: p.Gln288Ter; replaces glutamine 288 with a stop codon.
Molecular consequence: nonsense.
Genome position (GRCh38, 1-based): chr10:110,781,471, C>T. VCF-style: chr10-110781471-C-T. GRCh37 (hg19) VCF-style: chr10-112541229-C-T.
Other names: short protein forms Q288*.
Identifiers: ClinVar variation 4151602 (VCV004151602.2).